The following is an entry in ClinVar:

NM_015213.4(DENND5A):c.3005G>T (p.Cys1002Phe)

Gene: DENND5A (DENN domain containing 5A; minus strand). Cytogenetic location: 11p15.4.
Variant type: single nucleotide variant.
Coding change: c.3005G>T on transcript NM_015213.4 (MANE Select); coding-DNA position 3005, G replaced by T.
Protein change: p.Cys1002Phe; replaces cysteine 1002 with phenylalanine.
Molecular consequence: missense variant. On other transcripts: non-coding transcript variant (1).
Genome position (GRCh38, 1-based): chr11:9,145,112, C>A on the plus strand (G>T on the coding strand, the complement: DENND5A is on the minus strand). VCF-style: chr11-9145112-C-A. GRCh37 (hg19) VCF-style: chr11-9166659-C-A.
Other names: c.3005G>T, p.Cys1002Phe (NM_001243254.2, NM_001348748.1); c.2933G>T, p.Cys978Phe (NM_001348749.2); c.2717G>T, p.Cys906Phe (NM_001348750.2); short protein forms C1002F, C906F, C978F.
Identifiers: ClinVar variation 2066018 (VCV002066018.4), dbSNP rs2542233851, ClinGen allele CA379603275.
Genomic context (GRCh38, chr11:9,145,112, plus strand): 5'-GCATACAGCCCAGAGTTATCATGGCCAATCTGGACAGTAGTAAGCTTCCCCAAGTTCTGG[C>A]ACTATTAGAGAATAGAGAAGATGAGGTAGGTCAGGAAAATCAGAGAAAAGAACAGTAGTT-3'
Protein context (NP_056028.2, residues 992-1012): PRNVLEMTFE[Cys1002Phe]QNLGKLTTVQ

ClinVar aggregate classification (germline): Uncertain significance (1 of 4 stars; one submission).

Submission:

Labcorp Genetics (formerly Invitae), Labcorp
Classification: Uncertain significance. Last evaluated: 2022-02-02. Review status: criteria provided, single submitter. Criteria: Invitae Variant Classification Sherloc (09022015). Collection method: clinical testing. Allele origin: germline.
Comment: Algorithms developed to predict the effect of missense changes on protein structure and function (SIFT, PolyPhen-2, Align-GVGD) all suggest that this variant is likely to be tolerated. In summary, the available evidence is currently insufficient to determine the role of this variant in disease. Therefore, it has been classified as a Variant of Uncertain Significance. This variant has not been reported in the literature in individuals affected with DENND5A-related conditions. This variant is not present in population databases (gnomAD no frequency). This sequence change replaces cysteine, which is neutral and slightly polar, with phenylalanine, which is neutral and non-polar, at codon 1002 of the DENND5A protein (p.Cys1002Phe).